The following is an entry in ClinVar:

NM_000059.4(BRCA2):c.2475T>C (p.Asn825=)

Gene: BRCA2 (BRCA2 DNA repair associated; plus strand). Cytogenetic location: 13q13.1.
Variant type: single nucleotide variant.
Coding change: c.2475T>C on transcript NM_000059.4 (MANE Select); coding-DNA position 2475, T replaced by C.
Protein change: p.Asn825=; no amino-acid change (asparagine 825 retained).
Molecular consequence: synonymous variant.
Genome position (GRCh38, 1-based): chr13:32,336,830, T>C. VCF-style: chr13-32336830-T-C. GRCh37 (hg19) VCF-style: chr13-32910967-T-C.
Identifiers: ClinVar variation 821334 (VCV000821334.13), dbSNP rs1566226801, ClinGen allele CA483437074.

ClinVar aggregate classification (germline): Likely benign. Review status: criteria provided, multiple submitters, no conflicts (2 of 4 stars). 3 submissions from 3 submitters: Likely benign (2). 1 of the submissions does not count toward it. Last evaluated 2025-08-25.

Conditions:
Hereditary breast ovarian cancer syndrome. Also called: Hereditary breast and ovarian cancer syndrome (HBOC); Hereditary breast and ovarian cancer syndrome; Breast and ovarian cancer; Hereditary breast and/or ovarian cancer syndrome; BRCA1- and BRCA2-Associated Hereditary Breast and Ovarian Cancer; Hereditary breast and ovarian cancer. Identifiers: Orphanet 145, MedGen C0677776, MeSH D061325, MONDO:0003582. Disease mechanism: loss of function.
Hereditary cancer-predisposing syndrome. Also called: Hereditary Cancer Syndrome; Neoplastic Syndromes, Hereditary; Hereditary neoplastic syndrome; Tumor predisposition. Identifiers: Orphanet 140162, MedGen C0027672, MeSH D009386, MONDO:0015356.
Breast-ovarian cancer, familial, susceptibility to, 2 (BROVCA2). Also called: BRCA2 Hereditary Breast and Ovarian Cancer. Identifiers: Orphanet 145, MedGen C2675520, MONDO:0012933, OMIM 612555. Disease mechanism: loss of function.

Submissions (3):

Labcorp Genetics (formerly Invitae), Labcorp
Classification: Likely benign for Hereditary breast ovarian cancer syndrome. Last evaluated: 2025-08-25. Review status: criteria provided, single submitter. Criteria: Invitae Variant Classification Sherloc (09022015). Collection method: clinical testing. Allele origin: germline.

Ambry Genetics
Classification: Likely benign for Hereditary cancer-predisposing syndrome. Last evaluated: 2019-09-22. Review status: criteria provided, single submitter. Criteria: Ambry Variant Classification Scheme 2023. Collection method: clinical testing. Allele origin: germline.

Department of Medical and Surgical Sciences, University of Bologna
Classification: Likely benign for Breast-ovarian cancer, familial, susceptibility to, 2. Last evaluated: 2023-09-01. Review status: no assertion criteria provided. Collection method: clinical testing. Allele origin: germline. Affected: yes. Not counted in ClinVar's aggregate classification.
Comment: PM2(Supporting)+BP1(Strong) according to ACMG/AMP classification guidelines specified for BRCA1 & BRCA2 (Classification Criteria V1.0.0 2023-09-08) (PMID: 38160042)